The following is an entry in ClinVar:

NM_005732.4(RAD50):c.2780A>G (p.Glu927Gly)

Gene: RAD50 (RAD50 double strand break repair protein; plus strand). Cytogenetic location: 5q31.1.
Variant type: single nucleotide variant.
Coding change: c.2780A>G on transcript NM_005732.4 (MANE Select); coding-DNA position 2780, A replaced by G.
Protein change: p.Glu927Gly; replaces glutamic acid 927 with glycine.
Molecular consequence: missense variant.
Genome position (GRCh38, 1-based): chr5:132,608,676, A>G. VCF-style: chr5-132608676-A-G. GRCh37 (hg19) VCF-style: chr5-131944368-A-G.
Other names: short protein forms E927G.
Identifiers: ClinVar variation 821803 (VCV000821803.10), dbSNP rs748077241, ClinGen allele CA360958945.

ClinVar aggregate classification (germline): Uncertain significance. Review status: criteria provided, multiple submitters, no conflicts (2 of 4 stars). 2 submissions from 2 submitters: Uncertain significance (2). Last evaluated 2024-10-23.

Conditions:
Hereditary cancer-predisposing syndrome. Also called: Tumor predisposition; Hereditary Cancer Syndrome; Neoplastic Syndromes, Hereditary; Hereditary neoplastic syndrome. Identifiers: Orphanet 140162, MedGen C0027672, MeSH D009386, MONDO:0015356.

Submissions (2):

Labcorp Genetics (formerly Invitae), Labcorp
Classification: Uncertain significance for Hereditary cancer-predisposing syndrome. Last evaluated: 2024-10-23. Review status: criteria provided, single submitter. Criteria: Invitae Variant Classification Sherloc (09022015). Collection method: clinical testing. Allele origin: germline.
Comment: This sequence change replaces glutamic acid, which is acidic and polar, with glycine, which is neutral and non-polar, at codon 927 of the RAD50 protein (p.Glu927Gly). This variant is not present in population databases (gnomAD no frequency). This variant has not been reported in the literature in individuals affected with RAD50-related conditions. ClinVar contains an entry for this variant (Variation ID: 821803). Invitae Evidence Modeling of protein sequence and biophysical properties (such as structural, functional, and spatial information, amino acid conservation, physicochemical variation, residue mobility, and thermodynamic stability) indicates that this missense variant is not expected to disrupt RAD50 protein function with a negative predictive value of 80%. In summary, the available evidence is currently insufficient to determine the role of this variant in disease. Therefore, it has been classified as a Variant of Uncertain Significance.

Ambry Genetics
Classification: Uncertain significance for Hereditary cancer-predisposing syndrome. Last evaluated: 2023-04-13. Review status: criteria provided, single submitter. Criteria: Ambry Variant Classification Scheme 2023. Collection method: clinical testing. Allele origin: germline.
Comment: The p.E927G variant (also known as c.2780A>G), located in coding exon 17 of the RAD50 gene, results from an A to G substitution at nucleotide position 2780. The glutamic acid at codon 927 is replaced by glycine, an amino acid with similar properties. This amino acid position is well conserved in available vertebrate species. In addition, this alteration is predicted to be tolerated by in silico analysis. Since supporting evidence is limited at this time, the clinical significance of this alteration remains unclear.